The following is an entry in ClinVar:

NM_144573.4(NEXN):c.345G>C (p.Glu115Asp)

Genes: NEXN (nexilin F-actin binding protein; plus strand), LOC126805765 (BRD4-independent group 4 enhancer GRCh37_chr1:78383688-78384887; plus strand). Cytogenetic location: 1p31.1.
Variant type: single nucleotide variant.
Coding change: c.345G>C on transcript NM_144573.4 (MANE Select); coding-DNA position 345, G replaced by C.
Protein change: p.Glu115Asp; replaces glutamic acid 115 with aspartic acid.
Molecular consequence: missense variant.
Genome position (GRCh38, 1-based): chr1:77,918,171, G>C. VCF-style: chr1-77918171-G-C. GRCh37 (hg19) VCF-style: chr1-78383856-G-C.
Other names: c.153G>C, p.Glu51Asp (NM_001172309.2); short protein forms E115D, E51D.
Identifiers: ClinVar variation 2449170 (VCV002449170.3), dbSNP rs755584968, ClinGen allele CA340886517.

ClinVar aggregate classification (germline): Uncertain significance (1 of 4 stars; one submission).

Conditions:
Cardiovascular phenotype. Identifiers: MedGen CN230736.

Submission:

Ambry Genetics
Classification: Uncertain significance for Cardiovascular phenotype. Last evaluated: 2025-07-28. Review status: criteria provided, single submitter. Criteria: Ambry Variant Classification Scheme 2023. Collection method: clinical testing. Allele origin: germline.
Comment: The p.E115D variant (also known as c.345G>C), located in coding exon 4 of the NEXN gene, results from a G to C substitution at nucleotide position 345. The glutamic acid at codon 115 is replaced by aspartic acid, an amino acid with highly similar properties. This amino acid position is conserved. In addition, this alteration is predicted to be tolerated by in silico analysis. Since supporting evidence is limited at this time, the clinical significance of this alteration remains unclear.